The following is an entry in ClinVar:

ClinVar aggregate classification (germline): Uncertain significance (1 of 4 stars; one submission).

gnomAD v4.1: 5 of 1,603,142 alleles (0.00031%); highest among the groups gnomAD compares: Non-Finnish European, 0.00034%; no homozygotes.

Submission:

Labcorp Genetics (formerly Invitae), Labcorp
Classification: Uncertain significance. Last evaluated: 2025-02-06. Review status: criteria provided, single submitter. Criteria: Invitae Variant Classification Sherloc (09022015). Collection method: clinical testing. Allele origin: germline.
Comment: This sequence change replaces serine, which is neutral and polar, with cysteine, which is neutral and slightly polar, at codon 237 of the CREB3L1 protein (p.Ser237Cys). This variant is present in population databases (rs371335074, gnomAD 0.002%). This variant has not been reported in the literature in individuals affected with CREB3L1-related conditions. An algorithm developed to predict the effect of missense changes on protein structure and function (PolyPhen-2) suggests that this variant is likely to be disruptive. In summary, the available evidence is currently insufficient to determine the role of this variant in disease. Therefore, it has been classified as a Variant of Uncertain Significance.

NM_052854.4(CREB3L1):c.710C>G (p.Ser237Cys)

Gene: CREB3L1 (cAMP responsive element binding protein 3 like 1; plus strand). Cytogenetic location: 11p11.2.
Variant type: single nucleotide variant.
Coding change: c.710C>G on transcript NM_052854.4 (MANE Select); coding-DNA position 710, C replaced by G.
Protein change: p.Ser237Cys; replaces serine 237 with cysteine.
Molecular consequence: missense variant. On other transcripts: non-coding transcript variant (1).
Genome position (GRCh38, 1-based): chr11:46,311,146, C>G. VCF-style: chr11-46311146-C-G. GRCh37 (hg19) VCF-style: chr11-46332697-C-G.
Other names: c.710C>G, p.Ser237Cys (NM_001425266.1); c.704C>G, p.Ser235Cys (NM_001425267.1); c.572C>G, p.Ser191Cys (NM_001425268.1); c.446C>G, p.Ser149Cys (NM_001425269.1); short protein forms S191C, S149C, S237C, S235C.
Identifiers: ClinVar variation 4760257 (VCV004760257.1).